The following is an entry in ClinVar:

NM_001372044.2(SHANK3):c.3345C>T (p.Pro1115=)

Gene: SHANK3 (SH3 and multiple ankyrin repeat domains 3; plus strand). Cytogenetic location: 22q13.33.
Variant type: single nucleotide variant.
Coding change: c.3345C>T on transcript NM_001372044.2 (MANE Select); coding-DNA position 3345, C replaced by T.
Protein change: p.Pro1115=; no amino-acid change (proline 1115 retained).
Molecular consequence: synonymous variant.
Genome position (GRCh38, 1-based): chr22:50,720,953, C>T. VCF-style: chr22-50720953-C-T. GRCh37 (hg19) VCF-style: chr22-51159381-C-T.
Other names: c.3120C>T, p.Pro1040= (NM_033517.1).
Identifiers: ClinVar variation 3032475 (VCV003032475.1), dbSNP rs770827747, ClinGen allele CA10325959.

ClinVar aggregate classification (germline): Likely benign (1 of 4 stars; one submission).

Conditions:
SHANK3-related disorder. Also called: SHANK3-related condition.

Allele frequency attached by ClinVar (database versions not stated): ExAC 0.00001.

Submission:

PreventionGenetics, part of Exact Sciences
Classification: Likely benign for SHANK3-related condition. Last evaluated: 2023-05-10. Review status: criteria provided, single submitter. Criteria: ACMG Guidelines, 2015. Collection method: clinical testing. Allele origin: germline.
Comment: This variant is classified as likely benign based on ACMG/AMP sequence variant interpretation guidelines (Richards et al. 2015 PMID: 25741868, with internal and published modifications).